The following is an entry in ClinVar:

ClinVar aggregate classification (germline): Pathogenic/Likely pathogenic. Review status: criteria provided, multiple submitters, no conflicts (2 of 4 stars). 13 submissions from 13 submitters: Pathogenic (8); Likely pathogenic (2). 3 of the submissions do not count toward it. Last evaluated 2025-10-21.

Conditions:
Glycogen storage disease type III (GSD3). Also called: Cori disease; FORBES DISEASE. Identifiers: Orphanet 366, MedGen C0017922, MONDO:0009291, OMIM 232400.
Glycogen storage disease. Also called: glycogen storage disorder; Disorder of glycogen metabolism. Identifiers: Orphanet 79201, MedGen C0017919, MONDO:0002412.
Glycogen storage disease IIIb. Also called: Glycogen Storage Disease Type IIIb (GSD IIIb). Identifiers: MedGen C1968740.

Allele frequency attached by ClinVar (database versions not stated): ExAC 0.00001; gnomAD 0.00002 and 0.00003; gnomAD exomes 0.00002; TOPMed 0.00002.
gnomAD v4.1: 48 of 1,613,844 alleles (0.003%); highest among the groups gnomAD compares: Non-Finnish European, 0.004%; no homozygotes.

Submissions (13):

NHS Central & South Genomic Laboratory Hub
Classification: Likely pathogenic for Glycogen storage disease. Last evaluated: 2025-10-21. Review status: criteria provided, single submitter. Criteria: ACMG Guidelines, 2015. Collection method: clinical testing. Allele origin: germline. Affected: yes.

Labcorp Genetics (formerly Invitae), Labcorp
Classification: Pathogenic for Glycogen storage disease type III. Last evaluated: 2025-09-12. Review status: criteria provided, single submitter. Criteria: Invitae Variant Classification Sherloc (09022015). Collection method: clinical testing. Allele origin: germline.
Comment: This sequence change creates a premature translational stop signal (p.Gln6*) in the AGL gene. It is expected to result in an absent or disrupted protein product. Loss-of-function variants in AGL are known to be pathogenic (PMID: 19299494). This variant is present in population databases (rs113994126, gnomAD 0.004%). This premature translational stop signal has been observed in individual(s) with glycogen storage disease type III (PMID: 8755644, 23430490). In at least one individual the data is consistent with being in trans (on the opposite chromosome) from a pathogenic variant. ClinVar contains an entry for this variant (Variation ID: 1095). For these reasons, this variant has been classified as Pathogenic.

GeneDx
Classification: Pathogenic. Last evaluated: 2025-05-01. Review status: criteria provided, single submitter. Criteria: GeneDx Variant Classification Process June 2021. Collection method: clinical testing. Allele origin: germline. Affected: yes.
Comment: Nonsense variant predicted to result in protein truncation or nonsense mediated decay in a gene for which loss of function is a known mechanism of disease; Not observed at significant frequency in large population cohorts (gnomAD); This variant is associated with the following publications: (PMID: 34820282, 20648714, 8755644, 23430490)

Natera, Inc.
Classification: Pathogenic for Glycogen storage disease type III. Last evaluated: 2024-07-29. Review status: criteria provided, single submitter. Criteria: Natera Variant Classification Schema (03/2026). Collection method: clinical testing. Allele origin: germline.
Comment: The c.16C>T variant in AGL is a nonsense variant predicted to introduce a stop codon at amino acid 6. This variant is expected to result in nonsense mediated decay, truncation, or a dysfunctional protein product. This variant is rare in the general population with a frequency below the threshold expected for the associated phenotype(s). This variant has been observed in one or more individuals affected with the associated recessive disease, as either homozygous or compound heterozygous with a second variant (PMID: 8755644, 26697579). Given the available evidence, this variant is classified as Pathogenic.

Baylor Genetics
Classification: Pathogenic for Glycogen storage disease type III. Last evaluated: 2024-01-05. Review status: criteria provided, single submitter. Criteria: ACMG Guidelines, 2015. Collection method: clinical testing. Allele origin: unknown.

Fulgent Genetics
Classification: Pathogenic for Glycogen storage disease type III. Last evaluated: 2022-04-04. Review status: criteria provided, single submitter. Criteria: ACMG Guidelines, 2015. Collection method: clinical testing. Allele origin: unknown.

Genome-Nilou Lab
Classification: Pathogenic for Glycogen storage disease type III. Last evaluated: 2021-07-15. Review status: criteria provided, single submitter. Criteria: ACMG Guidelines, 2015. Collection method: clinical testing. Allele origin: germline. Affected: no.

Women's Health and Genetics/Laboratory Corporation of America, LabCorp
Classification: Pathogenic for Glycogen storage disease type III. Last evaluated: 2021-04-26. Review status: criteria provided, single submitter. Criteria: LabCorp Variant Classification Summary - May 2015. Collection method: clinical testing. Allele origin: germline.
Comment: Variant summary: AGL c.16C>T (p.Gln6X) results in a premature termination codon, predicted to cause a truncation of the encoded protein or absence of the protein due to nonsense mediated decay, which are commonly known mechanisms for disease. Truncations downstream of this position have been classified as pathogenic by our laboratory. The variant allele was found at a frequency of 1.6e-05 in 251440 control chromosomes. c.16C>T has been reported in the literature in individuals affected with Glycogen Storage Disease Type III and subsequently cited by others (example, Shen_1996, Sentner_2012, Perveen_2019). To our knowledge, no experimental evidence demonstrating an impact on protein function has been reported. Three clinical diagnostic laboratories have submitted clinical-significance assessments for this variant to ClinVar after 2014 without evidence for independent evaluation. All laboratories classified the variant as pathogenic (n=2)/likely pathogenic (n=1). Based on the evidence outlined above, the variant was classified as pathogenic.

Myriad Genetics, Inc.
Classification: Likely pathogenic for Glycogen storage disease type III. Last evaluated: 2019-12-09. Review status: criteria provided, single submitter. Criteria: Myriad Women's Health Autosomal Recessive and X-Linked Classification Criteria (2019). Collection method: clinical testing. Allele origin: unknown.
Comment: NM_000642.2(AGL):c.16C>T(Q6*) is classified as likely pathogenic in the context of glycogen storage disease type III. Sources cited for classification include the following: PMID 23430490, 20648714 and 8755644. Classification of NM_000642.2(AGL):c.16C>T(Q6*) is based on the following criteria: The variant causes a premature termination codon that is expected to be targeted by nonsense-mediated mRNA decay and is observed in individuals with the relevant phenotype. Please note: this variant was assessed in the context of healthy population screening.

Eurofins Ntd Llc (ga)
Classification: Pathogenic. Last evaluated: 2014-06-13. Review status: criteria provided, single submitter. Criteria: EGL Classification Definitions 2015. Collection method: clinical testing. Allele origin: germline.

Mayo Clinic Laboratories, Mayo Clinic
Classification: Pathogenic. Last evaluated: 2017-03-23. Review status: no assertion criteria provided. Collection method: clinical testing. Allele origin: unknown. Not counted in ClinVar's aggregate classification.

OMIM
Classification: Pathogenic for GLYCOGEN STORAGE DISEASE, TYPE IIIb. Last evaluated: 1996-07-15. Review status: no assertion criteria provided. Collection method: literature only. Allele origin: germline. Not counted in ClinVar's aggregate classification.

GeneReviews
No classification provided. Condition: Glycogen storage disease type III. Review status: no classification provided. Collection method: literature only. Allele origin: germline. Not counted in ClinVar's aggregate classification.
Comment: Associated with GSD IIIb phenotype

Literature cited by the submitters: PubMed 19299494 (cited by Labcorp Genetics (formerly Invitae), Labcorp); PubMed 8755644 (cited by 6 submitters); PubMed 23430490 (cited by 3 submitters); PubMed 26697579 (cited by Natera, Inc.); PubMed 32222031 (cited by Women's Health and Genetics/Laboratory Corporation of America, LabCorp); PubMed 20648714 (cited by Myriad Genetics, Inc.); NCBI Bookshelf NBK26372 (cited by GeneReviews).

NM_000642.3(AGL):c.16C>T (p.Gln6Ter)

Gene: AGL (amylo-alpha-1,6-glucosidase and 4-alpha-glucanotransferase; plus strand). Cytogenetic location: 1p21.2.
Variant type: single nucleotide variant.
Coding change: c.16C>T on transcript NM_000642.3 (MANE Select); coding-DNA position 16, C replaced by T.
Protein change: p.Gln6Ter; replaces glutamine 6 with a stop codon.
Molecular consequence: nonsense.
Genome position (GRCh38, 1-based): chr1:99,851,058, C>T. VCF-style: chr1-99851058-C-T. GRCh37 (hg19) VCF-style: chr1-100316614-C-T.
Other names: c.16C>T, p.Gln6Ter (NM_000028.3, NM_000643.3, NM_000644.3 and 6 more transcripts); c.-176C>T (NM_000646.3); short protein forms Q6*.
Identifiers: ClinVar variation 1095 (VCV000001095.36), dbSNP rs113994126, ClinGen allele CA114753.
Genomic context (GRCh38, chr1:99,851,058, plus strand): 5'-TTCTTTTAATTCTTATGAAAGATTTCAAATCCTCTAGAAGCCAAAATGGGACACAGTAAA[C>T]AGATTCGAATTTTACTTCTGAACGAAATGGAGAAACTGGAAAAGACCCTCTTCAGACTTG-3'